The following is an entry in ClinVar:

NM_004260.4(RECQL4):c.152C>T (p.Thr51Ile)

Genes: RECQL4 (RecQ like helicase 4; minus strand), LOC130001411 (ATAC-STARR-seq lymphoblastoid silent region 19699; plus strand). Cytogenetic location: 8q24.3.
Variant type: single nucleotide variant.
Coding change: c.152C>T on transcript NM_004260.4 (MANE Select); coding-DNA position 152, C replaced by T.
Protein change: p.Thr51Ile; replaces threonine 51 with isoleucine.
Molecular consequence: missense variant.
Genome position (GRCh38, 1-based): chr8:144,517,475, G>A on the plus strand (C>T on the coding strand, the complement: RECQL4 is on the minus strand). VCF-style: chr8-144517475-G-A. GRCh37 (hg19) VCF-style: chr8-145742859-G-A.
Other names: short protein forms T51I.
Identifiers: ClinVar variation 834999 (VCV000834999.8), dbSNP rs1308346776, ClinGen allele CA372692685.

ClinVar aggregate classification (germline): Uncertain significance. Review status: criteria provided, multiple submitters, no conflicts (2 of 4 stars). 2 submissions from 2 submitters: Uncertain significance (2). Last evaluated 2025-05-12.

Conditions:
Baller-Gerold syndrome (BGS). Also called: CRANIOSYNOSTOSIS WITH RADIAL DEFECTS. Identifiers: Orphanet 1225, MedGen C0265308, MONDO:0009039, OMIM 218600.
Inborn genetic diseases. Identifiers: MedGen C0950123, MeSH D030342.

gnomAD v4.1: 5 of 1,597,052 alleles (0.00031%); highest among the groups gnomAD compares: South Asian, 0.0011%; no homozygotes.

Submissions (2):

Labcorp Genetics (formerly Invitae), Labcorp
Classification: Uncertain significance for Baller-Gerold syndrome. Last evaluated: 2025-05-12. Review status: criteria provided, single submitter. Criteria: Invitae Variant Classification Sherloc (09022015). Collection method: clinical testing. Allele origin: germline.
Comment: This sequence change replaces threonine, which is neutral and polar, with isoleucine, which is neutral and non-polar, at codon 51 of the RECQL4 protein (p.Thr51Ile). The frequency data for this variant in the population databases is considered unreliable, as metrics indicate poor data quality at this position in the gnomAD database. This variant has not been reported in the literature in individuals affected with RECQL4-related conditions. ClinVar contains an entry for this variant (Variation ID: 834999). Experimental studies and prediction algorithms are not available or were not evaluated, and the functional significance of this variant is currently unknown. In summary, the available evidence is currently insufficient to determine the role of this variant in disease. Therefore, it has been classified as a Variant of Uncertain Significance.

Ambry Genetics
Classification: Uncertain significance for Inborn genetic diseases. Last evaluated: 2025-01-24. Review status: criteria provided, single submitter. Criteria: Ambry Variant Classification Scheme 2023. Collection method: clinical testing. Allele origin: germline.
Comment: The p.T51I variant (also known as c.152C>T), located in coding exon 3 of the RECQL4 gene, results from a C to T substitution at nucleotide position 152. The threonine at codon 51 is replaced by isoleucine, an amino acid with similar properties. This amino acid position is conserved. In addition, this alteration is predicted to be tolerated by in silico analysis. Based on the available evidence, the clinical significance of this variant remains unclear.